The following is an entry in ClinVar:

NM_002840.5(PTPRF):c.5136A>C (p.Thr1712=)

Gene: PTPRF (protein tyrosine phosphatase receptor type F; plus strand). Cytogenetic location: 1p34.2.
Variant type: single nucleotide variant.
Coding change: c.5136A>C on transcript NM_002840.5 (MANE Select); coding-DNA position 5136, A replaced by C.
Protein change: p.Thr1712=; no amino-acid change (threonine 1712 retained).
Molecular consequence: synonymous variant.
Genome position (GRCh38, 1-based): chr1:43,620,119, A>C. VCF-style: chr1-43620119-A-C. GRCh37 (hg19) VCF-style: chr1-44085790-A-C.
Other names: c.4302A>C, p.Thr1434= (NM_001329137.2); c.4326A>C, p.Thr1442= (NM_001329138.2); c.4284A>C, p.Thr1428= (NM_001329139.2); c.4224A>C, p.Thr1408= (NM_001329140.2); c.5109A>C, p.Thr1703= (NM_130440.4).
Identifiers: ClinVar variation 727196 (VCV000727196.6), dbSNP rs143019283, ClinGen allele CA813447.

ClinVar aggregate classification (germline): Benign/Likely benign. Review status: criteria provided, multiple submitters, no conflicts (2 of 4 stars). 3 submissions from 3 submitters: Benign (1); Likely benign (1). 1 of the submissions does not count toward it. Last evaluated 2023-09-15.

Conditions:
PTPRF-related disorder. Also called: PTPRF-related condition.

Allele frequency attached by ClinVar (database versions not stated): 1000 Genomes Project 30x 0.00109; 1000 Genomes Project 0.00140; gnomAD 0.00222 and 0.00243; TOPMed 0.00264; ESP Exome Variant Server 0.00269.
gnomAD v4.1: 714 of 1,614,098 alleles (0.044%); highest among the groups gnomAD compares: African/African-American, 0.84%; 2 homozygotes.

Submissions (3):

Blueprint Genetics
Classification: Likely benign. Last evaluated: 2023-09-15. Review status: criteria provided, single submitter. Criteria: ACMG Guidelines, 2015. Collection method: clinical testing. Allele origin: germline.

Labcorp Genetics (formerly Invitae), Labcorp
Classification: Benign. Last evaluated: 2018-06-05. Review status: criteria provided, single submitter. Criteria: Invitae Variant Classification Sherloc (09022015). Collection method: clinical testing. Allele origin: germline.

PreventionGenetics, part of Exact Sciences
Classification: Benign for PTPRF-related condition. Last evaluated: 2019-05-02. Review status: no assertion criteria provided. Collection method: clinical testing. Allele origin: germline. Not counted in ClinVar's aggregate classification.
Comment: This variant is classified as benign based on ACMG/AMP sequence variant interpretation guidelines (Richards et al. 2015 PMID: 25741868, with internal and published modifications).